The following is an entry in ClinVar:

NM_015629.4(PRPF31):c.413C>G (p.Thr138Arg)

Genes: PRPF31 (pre-mRNA processing factor 31; plus strand), PRPF31-AS1 (PRPF31 antisense RNA 1; minus strand). Cytogenetic location: 19q13.42.
Variant type: single nucleotide variant.
Coding change: c.413C>G on transcript NM_015629.4 (MANE Select); coding-DNA position 413, C replaced by G.
Protein change: p.Thr138Arg; replaces threonine 138 with arginine.
Molecular consequence: missense variant.
Genome position (GRCh38, 1-based): chr19:54,122,587, C>G. VCF-style: chr19-54122587-C-G. GRCh37 (hg19) VCF-style: chr19-54625966-C-G.
Other names: short protein forms T138R.
Identifiers: ClinVar variation 1490429 (VCV001490429.6), dbSNP rs2073819035, ClinGen allele CA407750136.

ClinVar aggregate classification (germline): Uncertain significance (1 of 4 stars; one submission).

Submission:

Labcorp Genetics (formerly Invitae), Labcorp
Classification: Uncertain significance. Last evaluated: 2021-12-09. Review status: criteria provided, single submitter. Criteria: Invitae Variant Classification Sherloc (09022015). Collection method: clinical testing. Allele origin: germline.
Comment: This variant is not present in population databases (gnomAD no frequency). This missense change has been observed in individual(s) with retinitis pigmentosa (Invitae). Algorithms developed to predict the effect of missense changes on protein structure and function are either unavailable or do not agree on the potential impact of this missense change (SIFT: "Deleterious"; PolyPhen-2: "Probably Damaging"; Align-GVGD: "Class C0"). Algorithms developed to predict the effect of sequence changes on RNA splicing suggest that this variant may create or strengthen a splice site. This variant disrupts the p.Thr138 amino acid residue in PRPF31. Other variant(s) that disrupt this residue have been observed in individuals with PRPF31-related conditions (PMID: 17325180, 33095315), which suggests that this may be a clinically significant amino acid residue. In summary, the available evidence is currently insufficient to determine the role of this variant in disease. Therefore, it has been classified as a Variant of Uncertain Significance. This sequence change replaces threonine, which is neutral and polar, with arginine, which is basic and polar, at codon 138 of the PRPF31 protein (p.Thr138Arg).

Literature cited by the submitters: PubMed 17325180; PubMed 33095315.